The following is an entry in ClinVar:

ClinVar aggregate classification (germline): Uncertain significance (1 of 4 stars; one submission).

Submission:

CeGaT Center for Human Genetics Tuebingen
Classification: Uncertain significance. Last evaluated: 2026-06-01. Review status: criteria provided, single submitter. Criteria: CeGaT Center For Human Genetics Tuebingen Variant Classification Criteria Version 2. Collection method: clinical testing. Allele origin: germline. Affected: yes. Observed: 1 variant allele.
Comment: PHF8: PM2, PP2

NM_015107.3(PHF8):c.320C>A (p.Thr107Asn)

Gene: PHF8 (PHD finger protein 8; minus strand). Cytogenetic location: Xp11.22.
Variant type: single nucleotide variant.
Coding change: c.320C>A on transcript NM_015107.3 (MANE Select); coding-DNA position 320, C replaced by A.
Protein change: p.Thr107Asn; replaces threonine 107 with asparagine.
Molecular consequence: missense variant.
Genome position (GRCh38, 1-based): chrX:54,017,795, G>T on the plus strand (C>A on the coding strand, the complement: PHF8 is on the minus strand). VCF-style: chrX-54017795-G-T. GRCh37 (hg19) VCF-style: chrX-54044228-G-T.
Other names: c.428C>A, p.Thr143Asn (NM_001184896.1, NM_001441096.1, NM_001441097.1 and 1 more transcripts); c.320C>A, p.Thr107Asn (NM_001184897.2, NM_001184898.2); short protein forms T107N, T143N.
Identifiers: ClinVar variation 4875080 (VCV004875080.2).
Genomic context (GRCh38, chrX:54,017,795, plus strand): 5'-ACCAGGATGGGCACACTGAAGCTATTTTCTTCCAGGAATTCCACGGTCAGTTGATTTCCA[G>T]TGGGCTTCAGAATCACTTCATCTGAGCTGTGGGCCGCAGGAGAGAAAGCTTGAGCCTGAG-3'
Protein context (NP_055922.1, residues 97-117): DSSDEVILKP[Thr107Asn]GNQLTVEFLE